The following is an entry in ClinVar:

NM_014265.6(ADAM28):c.1710G>A (p.Ser570=)

Genes: ADAM28 (ADAM metallopeptidase domain 28; plus strand), ADAM7-AS1 (ADAM7, ADAMDEC1 and ADAM28 antisense RNA 1; minus strand). Cytogenetic location: 8p21.2.
Variant type: single nucleotide variant.
Coding change: c.1710G>A on transcript NM_014265.6 (MANE Select); coding-DNA position 1710, G replaced by A.
Protein change: p.Ser570=; no amino-acid change (serine 570 retained).
Molecular consequence: synonymous variant. On other transcripts: non-coding transcript variant (1).
Genome position (GRCh38, 1-based): chr8:24,341,637, G>A. VCF-style: chr8-24341637-G-A. GRCh37 (hg19) VCF-style: chr8-24199150-G-A.
Other names: c.1710G>A, p.Ser570= (NM_001304351.2, NM_021778.1).
Identifiers: ClinVar variation 2658484 (VCV002658484.24), dbSNP rs145453785, ClinGen allele CA4678848.
Genomic context (GRCh38, chr8:24,341,637, plus strand): 5'-ACATTTTGGCTTTTTCCTCAGTGATACCATGTGTGGGAAGTTGTTCTGTCAAGGTGGGTC[G>A]GATAATTTGCCCTGGAAAGGACGGATAGTGACTTTCCTGACATGTAAAACATTTGATCCT-3'
Protein context (NP_055080.2, residues 560-580): MCGKLFCQGG[Ser570=]DNLPWKGRIV

ClinVar aggregate classification (germline): Likely benign (1 of 4 stars; one submission).

Allele frequency attached by ClinVar (database versions not stated): gnomAD 0.00027; ExAC 0.00028; gnomAD exomes 0.00028; TOPMed 0.00043; 1000 Genomes Project 30x 0.00047; 1000 Genomes Project 0.00060; ESP Exome Variant Server 0.00069.
gnomAD v4.1: 475 of 1,613,684 alleles (0.029%); highest among the groups gnomAD compares: Middle Eastern, 0.26%; no homozygotes.

Submission:

CeGaT Center for Human Genetics Tuebingen
Classification: Likely benign. Last evaluated: 2022-09-01. Review status: criteria provided, single submitter. Criteria: CeGaT Center For Human Genetics Tuebingen Variant Classification Criteria Version 2. Collection method: clinical testing. Allele origin: germline. Affected: yes. Observed: 1 variant allele.
Comment: ADAM28: BP4, BP7